The following is an entry in ClinVar:

NM_024782.3(NHEJ1):c.401A>G (p.His134Arg)

Gene: NHEJ1 (non-homologous end joining factor 1; minus strand). Cytogenetic location: 2q35.
Variant type: single nucleotide variant.
Coding change: c.401A>G on transcript NM_024782.3 (MANE Select); coding-DNA position 401, A replaced by G.
Protein change: p.His134Arg; replaces histidine 134 with arginine.
Molecular consequence: missense variant. On other transcripts: non-coding transcript variant (1).
Genome position (GRCh38, 1-based): chr2:219,147,785, T>C on the plus strand (A>G on the coding strand, the complement: NHEJ1 is on the minus strand). VCF-style: chr2-219147785-T-C. GRCh37 (hg19) VCF-style: chr2-220012507-T-C.
Other names: c.401A>G, p.His134Arg (NM_001377498.1, NM_001377499.1); short protein forms H134R.
Identifiers: ClinVar variation 1465124 (VCV001465124.6), dbSNP rs2106362378, ClinGen allele CA350628584.

ClinVar aggregate classification (germline): Uncertain significance (1 of 4 stars; one submission).

Conditions:
Cernunnos-XLF deficiency (IMD124). Also called: Severe combined immunodeficiency with sensitivity to ionizing radiation due to NHEJ1 deficiency; SCID, autosomal recessive, T cell-negative, B cell-negative, NK cell-positive, and sensitivity to ionizing radiation due to NHEJ1 deficiency; IMMUNODEFICIENCY 124, SEVERE COMBINED; SCID, AUTOSOMAL RECESSIVE, T CELL-NEGATIVE, B CELL-NEGATIVE, NK CELL-POSITIVE, WITH MICROCEPHALY, GROWTH RETARDATION, AND SENSITIVITY TO IONIZING RADIATION; NHEJ1 SYNDROME. Identifiers: Orphanet 169079, MedGen C1969799, MONDO:0012650, OMIM 611291.

Submission:

Labcorp Genetics (formerly Invitae), Labcorp
Classification: Uncertain significance for Cernunnos-XLF deficiency. Last evaluated: 2021-11-18. Review status: criteria provided, single submitter. Criteria: Invitae Variant Classification Sherloc (09022015). Collection method: clinical testing. Allele origin: germline.
Comment: In summary, the available evidence is currently insufficient to determine the role of this variant in disease. Therefore, it has been classified as a Variant of Uncertain Significance. Algorithms developed to predict the effect of missense changes on protein structure and function are either unavailable or do not agree on the potential impact of this missense change (SIFT: "Tolerated"; PolyPhen-2: "Probably Damaging"; Align-GVGD: "Class C0"). This variant has not been reported in the literature in individuals affected with NHEJ1-related conditions. This variant is not present in population databases (gnomAD no frequency). This sequence change replaces histidine, which is basic and polar, with arginine, which is basic and polar, at codon 134 of the NHEJ1 protein (p.His134Arg).